The following is an entry in ClinVar:

ClinVar aggregate classification (germline): Pathogenic/Likely pathogenic. Review status: criteria provided, multiple submitters, no conflicts (2 of 4 stars). 16 submissions from 15 submitters: Pathogenic (7); Likely pathogenic (5). 4 of the submissions do not count toward it. Last evaluated 2026-01-17.

Conditions:
L1CAM-related disorder. Also called: L1CAM-related condition.
Spastic paraplegia. Identifiers: MedGen C0037772, HP:0001258.
X-linked hydrocephalus syndrome (HYCX). Also called: X-Linked Hydrocephalus with Stenosis of the Aqueduct of Sylvius; X-Linked Hydrocephalus with Stenosis of the Aqueduct of Sylvius (HSAS); HYDROCEPHALUS, CONGENITAL, X-LINKED; AQUEDUCTAL STENOSIS, X-LINKED; X-linked hydrocephalus. Identifiers: Orphanet 2182, MedGen C0265216, MONDO:0010611, OMIM 307000.
X-linked complicated corpus callosum dysgenesis. Also called: X-Linked Complicated Corpus Callosum Agenesis. Identifiers: Orphanet 1497, MedGen C1839909, MONDO:0010569, OMIM 304100.
MASA syndrome. Also called: MASA (Mental Retardation, Adducted Thumbs, Shuffling Gait, Aphasia) Syndrome, Including SPG1 (X-Linked Complicated Hereditary Spastic Paraplegia Type 1); ADDUCTED THUMB WITH MENTAL RETARDATION; CRASH syndrome; GAREIS-MASON SYNDROME; CLASPED THUMB AND MENTAL RETARDATION; MENTAL RETARDATION, APHASIA, SHUFFLING GAIT, AND ADDUCTED THUMBS. Identifiers: Orphanet 2466, MedGen C0795953, MONDO:0010559, OMIM 303350.
L1 syndrome. Identifiers: Orphanet 275543, MedGen C5779710, MONDO:0017140.
Isolated cerebellar hypoplasia/agenesis (CHEGDD). Also called: Cerebellar hypoplasia/atrophy, epilepsy, and global developmental delay. Identifiers: Orphanet 1398, Orphanet 2246, MedGen C5231391, MONDO:0008939, OMIM 213000.

Submissions (16):

Dasa
Classification: Likely pathogenic. Last evaluated: 2026-01-17. Review status: criteria provided, single submitter. Criteria: DASA Assertion Criteria. Collection method: clinical testing. Allele origin: germline.
Comment: NM_001278116.2(L1CAM):c.719C>T (p.Pro240Leu) is a missense variant that results in the substitution of proline with leucine. Segregation data support an association with disease in the reported family/families (PMID: 8929944; PMID: 16650080; PMID: 31474318; PMID: 37035737). This variant has been observed in affected individuals with L1CAM-related disorders. This variant has been recurrently observed in individuals with L1CAM-related disorders (PMID: 8929944; PMID: 16650080; PMID: 31474318; PMID: 37035737). Also, this variant is absent from population databases. Computational evidence supports a deleterious effect. Based on the currently available evidence, this variant is classified as likely pathogenic.

GeneDx
Classification: Pathogenic. Last evaluated: 2025-10-01. Review status: criteria provided, single submitter. Criteria: GeneDx Variant Classification Process June 2021. Collection method: clinical testing. Allele origin: germline.
Comment: Not observed at significant frequency in large population cohorts (gnomAD); In silico analysis supports that this missense variant has a deleterious effect on protein structure/function; This variant is associated with the following publications: (PMID: 8929944, 31474318, 16650080, 25641508, 10797421, 39966468)

Daryl Scott Lab, Baylor College of Medicine
Classification: Pathogenic for L1CAM-related disorder. Last evaluated: 2025-08-25. Review status: criteria provided, single submitter. Criteria: ACMG Guidelines, 2015. Collection method: clinical testing. Allele origin: maternal. Affected: yes. Observed: 1 heterozygote.
Comment: PS4, PM2, PP1, PP4

Fulgent Genetics
Classification: Likely pathogenic for MASA syndrome; X-linked complicated corpus callosum dysgenesis; X-linked hydrocephalus syndrome. Last evaluated: 2024-05-15. Review status: criteria provided, single submitter. Criteria: ACMG Guidelines, 2015. Collection method: clinical testing. Allele origin: germline.

Women's Health and Genetics/Laboratory Corporation of America, LabCorp
Classification: Likely pathogenic for L1 syndrome. Last evaluated: 2024-05-03. Review status: criteria provided, single submitter. Criteria: LabCorp Variant Classification Summary - May 2015. Collection method: clinical testing. Allele origin: germline.
Comment: Variant summary: L1CAM c.719C>T (p.Pro240Leu) results in a non-conservative amino acid change in the encoded protein sequence. Four of five in-silico tools predict a damaging effect of the variant on protein function. The variant was absent in 182408 control chromosomes. c.719C>T has been reported in the literature in four individuals affected with L1 Syndrome (example, Aldinger_2019, Basel-Vanagaite_2006, Gu_1996). These data indicate that the variant is likely to be associated with disease. To our knowledge, no experimental evidence demonstrating an impact on protein function has been reported. The following publications have been ascertained in the context of this evaluation (PMID: 31474318, 16650080, 8929944). ClinVar contains an entry for this variant (Variation ID: 10001). Based on the evidence outlined above, the variant was classified as likely pathogenic.

Labcorp Genetics (formerly Invitae), Labcorp
Classification: Likely pathogenic for Spastic paraplegia. Last evaluated: 2023-01-17. Review status: criteria provided, single submitter. Criteria: Invitae Variant Classification Sherloc (09022015). Collection method: clinical testing. Allele origin: germline.
Comment: In summary, the currently available evidence indicates that the variant is pathogenic, but additional data are needed to prove that conclusively. Therefore, this variant has been classified as Likely Pathogenic. Algorithms developed to predict the effect of missense changes on protein structure and function (SIFT, PolyPhen-2, Align-GVGD) all suggest that this variant is likely to be disruptive. ClinVar contains an entry for this variant (Variation ID: 10001). This missense change has been observed in individuals with clinical features of L1 syndrome (PMID: 8929944, 10797421, 16650080, 31474318). This variant is not present in population databases (gnomAD no frequency). This sequence change replaces proline, which is neutral and non-polar, with leucine, which is neutral and non-polar, at codon 240 of the L1CAM protein (p.Pro240Leu).

Eurofins-Biomnis
Classification: Pathogenic for X-linked complicated corpus callosum dysgenesis. Last evaluated: 2022-10-24. Review status: criteria provided, single submitter. Criteria: Accession Criteria ClinVar Biomnis. Collection method: clinical testing. Allele origin: maternal. Affected: yes. Observed: 1 hemizygote.

Victorian Clinical Genetics Services, Murdoch Childrens Research Institute
Classification: Pathogenic for X-linked complicated corpus callosum dysgenesis. Last evaluated: 2022-06-24. Review status: criteria provided, single submitter. Criteria: ACMG Guidelines, 2015. Collection method: clinical testing. Allele origin: germline. Inheritance: X-linked recessive inheritance. Affected: yes.
Comment: Based on the classification scheme VCGS_Germline_v1.3.4, this variant is classified as Pathogenic. Following criteria are met: 0102 - Loss of function is a known mechanism of disease in this gene and is associated with partial agenesis of corpus callosum (MIM#304100), MASA/CRASH syndrome (MIM#303350) and hydrocephalus due to aqueductal stenosis/with congenital idiopathic intestinal pseudoobstruction/with Hirschsprung disease (MIM#307000). (I) 0109 - This gene is associated with X-linked recessive disease. (I) 0115 - Variants in this gene are known to have variable expressivity. Both inter and intra-familial variability have been reported (PMID: 7562969, 16650080). (I) 0200 - Variant is predicted to result in a missense amino acid change from proline to leucine. (I) 0253 - This variant is hemizygous. (I) 0301 - Variant is absent from gnomAD (both v2 and v3). (SP) 0502 - Missense variant with conflicting in silico predictions and uninformative conservation. (I) 0600 - Variant is located in the annotated Immunoglobulin domain (DECIPHER). (I) 0705 - No comparable missense variants have previous evidence for pathogenicity. (I) 0801 - This variant has strong previous evidence of pathogenicity in unrelated individuals. It has been reported in at least five unrelated males with a variety of brain abnormalities namely syndromic hydrocephalus (PMID: 8929944), hypoplastic corpus callosum and mild generalized ventriculomegaly (PMID: 16650080) and cerebellar hypoplasia (PMID: 31474318). This variant has been identified and classified as pathogenic by diagnostic laboratories in ClinVar. (SP) 0906 - Segregation evidence for this variant is inconclusive. It has been identified in two brothers with hypoplastic corpus callosum and mild generalized ventriculomegaly (PMID: 16650080). It was also reported to have segregated in 4 affected males across multiple generations in a single family; however, data was not shown (PMID: 8929944). (I) 1007 - No published functional evidence has been identified for this variant. (I) Legend: (SP) - Supporting pathogenic, (I) - Information, (SB) - Supporting benign

Equipe Genetique des Anomalies du Developpement, Université de Bourgogne
Classification: Pathogenic for X-linked complicated corpus callosum dysgenesis. Last evaluated: 2019-09-04. Review status: criteria provided, single submitter. Criteria: ACMG Guidelines, 2015. Collection method: clinical testing. Allele origin: maternal. Affected: yes.

Baylor Genetics
Classification: Pathogenic for X-linked hydrocephalus syndrome. Last evaluated: 2018-01-27. Review status: criteria provided, single submitter. Criteria: ACMG Guidelines, 2015. Collection method: clinical testing. Allele origin: maternal. Affected: yes.
Comment: This variant was determined to be pathogenic according to ACMG Guidelines, 2015 [PMID:25741868]. This variant has been previously reported as disease-causing [PMID 8929944, 16650080]

CeGaT Center for Human Genetics Tuebingen
Classification: Pathogenic. Last evaluated: 2018-01-01. Review status: criteria provided, single submitter. Criteria: CeGaT Center For Human Genetics Tuebingen Variant Classification Criteria Version 2. Collection method: clinical testing. Allele origin: germline. Affected: yes. Observed: 1 variant allele.

Institute of Human Genetics, University Hospital of Duesseldorf
Classification: Likely pathogenic for MASA syndrome. Review status: criteria provided, single submitter. Criteria: ACMG Guidelines, 2015. Collection method: not provided. Allele origin: germline. Inheritance: X-linked recessive inheritance. Affected: yes.

Dobyns Lab, Seattle Children's Research Institute
Classification: Pathogenic for Corpus callosum, partial agenesis of, X-linked. Last evaluated: 2019-02-18. Review status: no assertion criteria provided. Collection method: research. Allele origin: germline. Affected: yes. Observed: 2 variant alleles. Not counted in ClinVar's aggregate classification.

OMIM
Classification: Pathogenic for HYDROCEPHALUS, CONGENITAL, X-LINKED. Last evaluated: 2006-05-01. Review status: no assertion criteria provided. Collection method: literature only. Allele origin: germline. Not counted in ClinVar's aggregate classification.

OMIM
Classification: Pathogenic for CORPUS CALLOSUM, PARTIAL AGENESIS OF, X-LINKED. Last evaluated: 2006-05-01. Review status: no assertion criteria provided. Collection method: literature only. Allele origin: germline. Not counted in ClinVar's aggregate classification.

University of Washington Center for Mendelian Genomics, University of Washington
Classification: Likely pathogenic for Cerebellar hypoplasia. Review status: no assertion criteria provided. Collection method: research. Allele origin: maternal. Affected: yes. Not counted in ClinVar's aggregate classification.

Literature cited by the submitters: PubMed 8929944 (cited by 6 submitters); PubMed 16650080 (cited by 7 submitters); PubMed 31474318 (cited by 5 submitters); PubMed 37035737 (cited by Dasa); PubMed 10797421 (cited by Labcorp Genetics (formerly Invitae), Labcorp); PubMed 7562969 (cited by Victorian Clinical Genetics Services, Murdoch Childrens Research Institute).

NM_001278116.2(L1CAM):c.719C>T (p.Pro240Leu)

Gene: L1CAM (L1 cell adhesion molecule; minus strand). Cytogenetic location: Xq28.
Variant type: single nucleotide variant.
Coding change: c.719C>T on transcript NM_001278116.2 (MANE Select); coding-DNA position 719, C replaced by T.
Protein change: p.Pro240Leu; replaces proline 240 with leucine.
Molecular consequence: missense variant.
Genome position (GRCh38, 1-based): chrX:153,870,475, G>A on the plus strand (C>T on the coding strand, the complement: L1CAM is on the minus strand). VCF-style: chrX-153870475-G-A. GRCh37 (hg19) VCF-style: chrX-153135930-G-A.
Other names: L1CAM, PRO240LEU; c.719C>T, p.Pro240Leu (NM_000425.5, NM_024003.3); c.704C>T, p.Pro235Leu (NM_001143963.2); short protein forms P240L, P235L.
Identifiers: ClinVar variation 10001 (VCV000010001.63), dbSNP rs137852526, ClinGen allele CA120882.